The following is an entry in ClinVar:

ClinVar aggregate classification (germline): Benign (1 of 4 stars; one submission).

Conditions:
Charcot-Marie-Tooth disease type 4D. Also called: CHARCOT-MARIE-TOOTH DISEASE, DEMYELINATING, AUTOSOMAL RECESSIVE, TYPE 4D; NEUROPATHY, HEREDITARY MOTOR AND SENSORY, LOM TYPE; Charcot-Marie-Tooth Neuropathy Type 4D; CHARCOT-MARIE-TOOTH DISEASE, DEMYELINATING, TYPE 4D. Identifiers: Orphanet 99950, MedGen C1832334, MONDO:0011085, OMIM 601455.

Allele frequency attached by ClinVar (database versions not stated): gnomAD exomes 0.00173; 1000 Genomes Project 0.00579; 1000 Genomes Project 30x 0.00625; gnomAD 0.00781 and 0.00858; TOPMed 0.00851.
gnomAD v4.1: 1,341 of 233,184 alleles (0.58%); highest among the groups gnomAD compares: African/African-American, 2.7%; 18 homozygotes.

Submission:

Illumina Laboratory Services, Illumina
Classification: Benign for Charcot-Marie-Tooth disease type 4D. Last evaluated: 2018-01-12. Review status: criteria provided, single submitter. Criteria: ICSL Variant Classification Criteria 13 December 2019. Collection method: clinical testing. Allele origin: germline.
Comment: This variant was observed in the ICSL laboratory as part of a predisposition screen in an ostensibly healthy population. It had not been previously curated by ICSL or reported in the Human Gene Mutation Database (HGMD: prior to June 1st, 2018), and was therefore a candidate for classification through an automated scoring system. Utilizing variant allele frequency, disease prevalence and penetrance estimates, and inheritance mode, an automated score was calculated to assess if this variant is too frequent to cause the disease. Based on the score and internal cut-off values, a variant classified as benign is not then subjected to further curation. The score for this variant resulted in a classification of benign for this disease.

NM_006096.4(NDRG1):c.*1294T>C

Gene: NDRG1 (N-myc downstream regulated 1; minus strand). Cytogenetic location: 8q24.22.
Variant type: single nucleotide variant.
Coding change: c.*1294T>C on transcript NM_006096.4 (MANE Select); 1294 bases downstream of the stop codon, T replaced by C.
Molecular consequence: 3 prime UTR variant.
Genome position (GRCh38, 1-based): chr8:133,237,584, A>G on the plus strand (T>C on the coding strand, the complement: NDRG1 is on the minus strand). VCF-style: chr8-133237584-A-G. GRCh37 (hg19) VCF-style: chr8-134249827-A-G.
Other names: c.*1294T>C (NM_001135242.2, NM_001258432.2, NM_001258433.2 and 4 more transcripts).
Identifiers: ClinVar variation 362012 (VCV000362012.5), dbSNP rs144034977, ClinGen allele CA10630319.